The following is an entry in ClinVar:

NM_024757.5(EHMT1):c.2027G>T (p.Gly676Val)

Gene: EHMT1 (euchromatic histone lysine methyltransferase 1; plus strand). Cytogenetic location: 9q34.3.
Variant type: single nucleotide variant.
Coding change: c.2027G>T on transcript NM_024757.5 (MANE Select); coding-DNA position 2027, G replaced by T.
Protein change: p.Gly676Val; replaces glycine 676 with valine.
Molecular consequence: missense variant.
Genome position (GRCh38, 1-based): chr9:137,777,890, G>T. VCF-style: chr9-137777890-G-T. GRCh37 (hg19) VCF-style: chr9-140672342-G-T.
Other names: c.2027G>T (NM_024757.4); c.2027G>T, p.Gly676Val (NM_001145527.2); c.1934G>T, p.Gly645Val (NM_001354259.2); c.2006G>T, p.Gly669Val (NM_001354263.2); short protein forms G669V, G645V, G676V.
Identifiers: ClinVar variation 2011922 (VCV002011922.6), dbSNP rs2136709832, ClinGen allele CA375778076.

ClinVar aggregate classification (germline): Uncertain significance. Review status: criteria provided, multiple submitters, no conflicts (2 of 4 stars). 3 submissions from 3 submitters: Uncertain significance (3). Last evaluated 2025-07-03.

Conditions:
Kleefstra syndrome 1 (KLEFS1). Identifiers: Orphanet 261494, MedGen C0795833, MONDO:0027407, OMIM 610253.
EHMT1-related disorder. Also called: EHMT1-related condition.

Submissions (3):

GeneDx
Classification: Uncertain significance. Last evaluated: 2025-07-03. Review status: criteria provided, single submitter. Criteria: GeneDx Variant Classification Process June 2021. Collection method: clinical testing. Allele origin: germline. Affected: yes.
Comment: Not observed at significant frequency in large population cohorts (gnomAD); In silico analysis suggests that this missense variant does not alter protein structure/function; Has not been previously published as pathogenic or benign to our knowledge

Labcorp Genetics (formerly Invitae), Labcorp
Classification: Uncertain significance for Kleefstra syndrome 1. Last evaluated: 2024-10-16. Review status: criteria provided, single submitter. Criteria: Invitae Variant Classification Sherloc (09022015). Collection method: clinical testing. Allele origin: germline.
Comment: This sequence change replaces glycine, which is neutral and non-polar, with valine, which is neutral and non-polar, at codon 676 of the EHMT1 protein (p.Gly676Val). This variant is not present in population databases (gnomAD no frequency). This variant has not been reported in the literature in individuals affected with EHMT1-related conditions. ClinVar contains an entry for this variant (Variation ID: 2011922). Invitae Evidence Modeling of protein sequence and biophysical properties (such as structural, functional, and spatial information, amino acid conservation, physicochemical variation, residue mobility, and thermodynamic stability) indicates that this missense variant is not expected to disrupt EHMT1 protein function with a negative predictive value of 80%. In summary, the available evidence is currently insufficient to determine the role of this variant in disease. Therefore, it has been classified as a Variant of Uncertain Significance.

PreventionGenetics, part of Exact Sciences
Classification: Uncertain significance for EHMT1-related condition. Last evaluated: 2023-04-17. Review status: criteria provided, single submitter. Criteria: ACMG Guidelines, 2015. Collection method: clinical testing. Allele origin: germline.
Comment: The EHMT1 c.2027G>T variant is predicted to result in the amino acid substitution p.Gly676Val. To our knowledge, this variant has not been reported in the literature or in a large population database, indicating this variant is rare. At this time, the clinical significance of this variant is uncertain due to the absence of conclusive functional and genetic evidence.